The following is an entry in ClinVar:

ClinVar aggregate classification (germline): Conflicting classifications of pathogenicity. Review status: criteria provided, conflicting classifications (1 of 4 stars). 7 submissions from 7 submitters: Uncertain significance (6); Benign (1). Last evaluated 2026-04-16.

Conditions:
Inborn genetic diseases. Identifiers: MedGen C0950123, MeSH D030342.
Charcot-Marie-Tooth disease, type I (CMT1). Also called: Charcot-Marie-Tooth disease type 1; Charcot-Marie-Tooth, Type 1. Identifiers: Orphanet 65753, MedGen C0751036, MONDO:0019011.
EGR2-related disorder. Also called: EGR2-related condition.

Allele frequency attached by ClinVar (database versions not stated): ExAC 0.00002; gnomAD exomes 0.00002; gnomAD 0.00003 and 0.00004; TOPMed 0.00003.
gnomAD v4.1: 33 of 1,614,064 alleles (0.002%); highest among the groups gnomAD compares: Non-Finnish European, 0.0026%; no homozygotes.

Submissions (7):

PreventionGenetics, part of Exact Sciences
Classification: Uncertain significance for EGR2-related condition. Last evaluated: 2026-04-16. Review status: criteria provided, single submitter. Criteria: ACMG Guidelines, 2015. Collection method: clinical testing. Allele origin: germline.
Comment: The EGR2 c.665T>C variant is predicted to result in the amino acid substitution p.Met222Thr. To our knowledge, this variant has not been reported in the literature. This variant is reported in 0.0054% of alleles in individuals of European (non-Finnish) descent in gnomAD. At this time, the clinical significance of this variant is uncertain due to the absence of conclusive functional and genetic evidence.

Labcorp Genetics (formerly Invitae), Labcorp
Classification: Benign for Charcot-Marie-Tooth disease, type I. Last evaluated: 2025-11-16. Review status: criteria provided, single submitter. Criteria: Invitae Variant Classification Sherloc (09022015). Collection method: clinical testing. Allele origin: germline.

Ambry Genetics
Classification: Uncertain significance for Inborn genetic diseases. Last evaluated: 2025-08-10. Review status: criteria provided, single submitter. Criteria: Ambry Variant Classification Scheme 2023. Collection method: clinical testing. Allele origin: germline.

Women's Health and Genetics/Laboratory Corporation of America, LabCorp
Classification: Uncertain significance. Last evaluated: 2024-10-17. Review status: criteria provided, single submitter. Criteria: LabCorp Variant Classification Summary - May 2015. Collection method: clinical testing. Allele origin: germline.
Comment: Variant summary: EGR2 c.665T>C (p.Met222Thr) results in a non-conservative amino acid change in the encoded protein sequence. Three of five in-silico tools predict a damaging effect of the variant on protein function. The variant allele was found at a frequency of 2.4e-05 in 251494 control chromosomes. The available data on variant occurrences in the general population are insufficient to allow any conclusion about variant significance. To our knowledge, no occurrence of c.665T>C in individuals affected with EGR2-Related Disorders and no experimental evidence demonstrating its impact on protein function have been reported. ClinVar contains an entry for this variant (Variation ID: 597793). Based on the evidence outlined above, the variant was classified as uncertain significance.

Revvity Omics, Revvity
Classification: Uncertain significance. Last evaluated: 2022-08-26. Review status: criteria provided, single submitter. Criteria: ACMG Guidelines, 2015. Collection method: clinical testing. Allele origin: germline.

GeneDx
Classification: Uncertain significance. Last evaluated: 2022-03-03. Review status: criteria provided, single submitter. Criteria: GeneDx Variant Classification Process June 2021. Collection method: clinical testing. Allele origin: germline. Affected: yes.
Comment: In silico analysis supports that this missense variant has a deleterious effect on protein structure/function; Has not been previously published as pathogenic or benign to our knowledge

Eurofins Ntd Llc (ga)
Classification: Uncertain significance. Last evaluated: 2018-06-28. Review status: criteria provided, single submitter. Criteria: EGL ClinVar v180209 classification definitions. Collection method: clinical testing. Allele origin: germline. Observed: 1 variant allele, 1 heterozygote.

NM_000399.5(EGR2):c.665T>C (p.Met222Thr)

Gene: EGR2 (early growth response 2; minus strand). Cytogenetic location: 10q21.3.
Variant type: single nucleotide variant.
Coding change: c.665T>C on transcript NM_000399.5 (MANE Select); coding-DNA position 665, T replaced by C.
Protein change: p.Met222Thr; replaces methionine 222 with threonine.
Molecular consequence: missense variant.
Genome position (GRCh38, 1-based): chr10:62,813,973, A>G on the plus strand (T>C on the coding strand, the complement: EGR2 is on the minus strand). VCF-style: chr10-62813973-A-G. GRCh37 (hg19) VCF-style: chr10-64573733-A-G.
Other names: c.665T>C, p.Met222Thr (NM_001136177.3, NM_001136178.2); c.515T>C, p.Met172Thr (NM_001136179.3, NM_001321037.2); c.665T>C (NM_000399.4); short protein forms M222T, M172T.
Identifiers: ClinVar variation 597793 (VCV000597793.24), dbSNP rs530614586, ClinGen allele CA5517248.
Genomic context (GRCh38, chr10:62,813,973, plus strand): 5'-GCTGTACCATGTAGGTCTCTCTGGCACTGAGATGGAAAGAATCCAGGATAGTCTGGGATC[A>G]TTGGGAAGAGACCTGGGTCCGTGGCTGGCTTGGGGGATGGATAGGAAGGAGGTGGTGGGT-3'
Protein context (NP_000390.2, residues 212-232): KPATDPGLFP[Met222Thr]IPDYPGFFPS